The following is an entry in ClinVar:

ClinVar aggregate classification (germline): Uncertain significance (1 of 4 stars; one submission).

gnomAD v4.1: 266 of 1,612,918 alleles (0.016%); highest among the groups gnomAD compares: Non-Finnish European, 0.021%; no homozygotes.

Submission:

Dasa
Classification: Uncertain significance. Last evaluated: 2025-11-10. Review status: criteria provided, single submitter. Criteria: DASA Assertion Criteria. Collection method: clinical testing. Allele origin: germline.
Comment: NM_015533.4(TKFC):c.455G>C (p.Arg152Pro) is a missense variant that results in the substitution of arginine with proline. This variant is rare in population databases. Computational prediction algorithms are consistent with a deleterious effect. The currently available literature and clinical evidence are not sufficient to establish a definitive association between this variant and the reported condition. Therefore, this variant is classified as a variant of uncertain significance.

NM_015533.4(TKFC):c.455G>C (p.Arg152Pro)

Gene: TKFC (triokinase and FMN cyclase; plus strand). Cytogenetic location: 11q12.2.
Variant type: single nucleotide variant.
Coding change: c.455G>C on transcript NM_015533.4 (MANE Select); coding-DNA position 455, G replaced by C.
Protein change: p.Arg152Pro; replaces arginine 152 with proline.
Molecular consequence: missense variant.
Genome position (GRCh38, 1-based): chr11:61,339,404, G>C. VCF-style: chr11-61339404-G-C. GRCh37 (hg19) VCF-style: chr11-61106876-G-C.
Other names: c.455G>C, p.Arg152Pro (NM_001351976.2, NM_001351977.2, NM_001351978.2 and 1 more transcripts); c.245G>C, p.Arg82Pro (NM_001351980.2); short protein forms R152P, R82P.
Identifiers: ClinVar variation 4885623 (VCV004885623.2).